The following is an entry in ClinVar:

ClinVar aggregate classification (germline): Uncertain significance. Review status: criteria provided, multiple submitters, no conflicts (2 of 4 stars). 8 submissions from 8 submitters: Uncertain significance (8). Last evaluated 2026-01-29.

Conditions:
SZT2-related disorder. Also called: SZT2-related condition.
Inborn genetic diseases. Identifiers: MedGen C0950123, MeSH D030342.
Developmental and epileptic encephalopathy, 18 (DEE18). Also called: Early infantile epileptic encephalopathy 18. Identifiers: Orphanet 369894, MedGen C3809624, MONDO:0014201, OMIM 615476.

Allele frequency attached by ClinVar (database versions not stated): gnomAD exomes 0.00002 and 0.00003; ExAC 0.00003; gnomAD 0.00038; 1000 Genomes Project 0.00060; TOPMed 0.00071; 1000 Genomes Project 30x 0.00078.
gnomAD v4.1: 92 of 1,614,142 alleles (0.0057%); highest among the groups gnomAD compares: Admixed American, 0.11%; no homozygotes.

Submissions (8):

PreventionGenetics, part of Exact Sciences
Classification: Uncertain significance for SZT2-related condition. Last evaluated: 2026-01-29. Review status: criteria provided, single submitter. Criteria: ACMG Guidelines, 2015. Collection method: clinical testing. Allele origin: germline.
Comment: The SZT2 c.6014G>A variant is predicted to result in the amino acid substitution p.Arg2005Gln. To our knowledge, this variant has not been reported in the literature. This variant is reported in 0.014% of alleles in individuals of Latino descent in gnomAD. At this time, the clinical significance of this variant is uncertain due to the absence of conclusive functional and genetic evidence.

GeneDx
Classification: Uncertain significance. Last evaluated: 2023-08-07. Review status: criteria provided, single submitter. Criteria: GeneDx Variant Classification Process June 2021. Collection method: clinical testing. Allele origin: germline. Affected: yes.
Comment: In silico analysis supports that this missense variant has a deleterious effect on protein structure/function; Has not been previously published as pathogenic or benign to our knowledge

Genome-Nilou Lab
Classification: Uncertain significance for Developmental and epileptic encephalopathy, 18. Last evaluated: 2023-04-11. Review status: criteria provided, single submitter. Criteria: ACMG Guidelines, 2015. Collection method: clinical testing. Allele origin: germline. Affected: no.

Labcorp Genetics (formerly Invitae), Labcorp
Classification: Uncertain significance. Last evaluated: 2022-10-31. Review status: criteria provided, single submitter. Criteria: Invitae Variant Classification Sherloc (09022015). Collection method: clinical testing. Allele origin: germline.
Comment: This sequence change replaces arginine, which is basic and polar, with glutamine, which is neutral and polar, at codon 2005 of the SZT2 protein (p.Arg2005Gln). This variant is present in population databases (rs200443293, gnomAD 0.02%). This variant has not been reported in the literature in individuals affected with SZT2-related conditions. ClinVar contains an entry for this variant (Variation ID: 588078). Algorithms developed to predict the effect of missense changes on protein structure and function are either unavailable or do not agree on the potential impact of this missense change (SIFT: "Tolerated"; PolyPhen-2: "Probably Damaging"; Align-GVGD: "Class C0"). In summary, the available evidence is currently insufficient to determine the role of this variant in disease. Therefore, it has been classified as a Variant of Uncertain Significance.

Fulgent Genetics
Classification: Uncertain significance for Developmental and epileptic encephalopathy, 18. Last evaluated: 2022-04-06. Review status: criteria provided, single submitter. Criteria: ACMG Guidelines, 2015. Collection method: clinical testing. Allele origin: unknown.

New York Genome Center
Classification: Uncertain significance for Developmental and epileptic encephalopathy, 18. Last evaluated: 2022-01-09. Review status: criteria provided, single submitter. Criteria: NYGC Assertion Criteria 2020. Collection method: clinical testing. Allele origin: germline. Observed: 1 heterozygote. Study: CSER-NYCKidSeq.

Center for Genomics, Ann and Robert H. Lurie Children's Hospital of Chicago
Classification: Uncertain significance for Developmental and epileptic encephalopathy, 18. Last evaluated: 2021-11-11. Review status: criteria provided, single submitter. Criteria: ACMG Guidelines, 2015. Collection method: clinical testing. Allele origin: germline.
Comment: This variant has not been reported in the literature but is present in 0.001% (1/68022) of European alleles in the Genome Aggregation Database. This variant is present in ClinVar (Variation ID:588078). Evolutionary conservation and computational predictive tools suggest that this variant may impact the protein. In summary, data on this variant is insufficient for disease classification. Therefore, the clinical significance of this variant is uncertain.

Ambry Genetics
Classification: Uncertain significance for Inborn genetic diseases. Last evaluated: 2019-02-06. Review status: criteria provided, single submitter. Criteria: Ambry Variant Classification Scheme 2023. Collection method: clinical testing. Allele origin: germline.
Comment: The p.R2005Q variant (also known as c.6014G>A), located in coding exon 42 of the SZT2 gene, results from a G to A substitution at nucleotide position 6014. The arginine at codon 2005 is replaced by glutamine, an amino acid with highly similar properties. This amino acid position is highly conserved in available vertebrate species. In addition, this alteration is predicted to be deleterious by in silico analysis. Since supporting evidence is limited at this time, the clinical significance of this alteration remains unclear.

NM_001365999.1(SZT2):c.6185G>A (p.Arg2062Gln)

Gene: SZT2 (SZT2 subunit of KICSTOR complex; plus strand). Cytogenetic location: 1p34.2.
Variant type: single nucleotide variant.
Coding change: c.6185G>A on transcript NM_001365999.1 (MANE Select); coding-DNA position 6185, G replaced by A.
Protein change: p.Arg2062Gln; replaces arginine 2062 with glutamine.
Molecular consequence: missense variant.
Genome position (GRCh38, 1-based): chr1:43,437,321, G>A. VCF-style: chr1-43437321-G-A. GRCh37 (hg19) VCF-style: chr1-43902992-G-A.
Other names: c.6014G>A, p.Arg2005Gln (NM_015284.4); short protein forms R2005Q, R2062Q.
Identifiers: ClinVar variation 588078 (VCV000588078.24), dbSNP rs200443293, ClinGen allele CA809806.